The following is an entry in ClinVar:

NM_022124.6(CDH23):c.7465C>T (p.Arg2489Cys)

Gene: CDH23 (cadherin related 23; plus strand). Cytogenetic location: 10q22.1.
Variant type: single nucleotide variant.
Coding change: c.7465C>T on transcript NM_022124.6 (MANE Select); coding-DNA position 7465, C replaced by T.
Protein change: p.Arg2489Cys; replaces arginine 2489 with cysteine.
Molecular consequence: missense variant.
Genome position (GRCh38, 1-based): chr10:71,800,738, C>T. VCF-style: chr10-71800738-C-T. GRCh37 (hg19) VCF-style: chr10-73560495-C-T.
Other names: c.7465C>T (NM_022124.5); c.745C>T, p.Arg249Cys (NM_001171933.1, NM_001171934.1); short protein forms R2489C, R249C.
Identifiers: ClinVar variation 2160770 (VCV002160770.3), dbSNP rs754223180, ClinGen allele CA5546353.

ClinVar aggregate classification (germline): Conflicting classifications of pathogenicity. Review status: criteria provided, conflicting classifications (1 of 4 stars). 3 submissions from 3 submitters: Likely pathogenic (1); Uncertain significance (2). Last evaluated 2024-12-18.

Conditions:
CDH23-related disorder. Also called: CDH23-related disorders; CDH23-related condition.

Allele frequency attached by ClinVar (database versions not stated): ExAC 0.00001; gnomAD 0.00001; TOPMed 0.00001; gnomAD exomes 0.00003.
gnomAD v4.1: 47 of 1,613,800 alleles (0.0029%); highest among the groups gnomAD compares: African/African-American, 0.0053%; no homozygotes.

Submissions (3):

GeneDx
Classification: Uncertain significance. Last evaluated: 2024-12-18. Review status: criteria provided, single submitter. Criteria: GeneDx Variant Classification Process June 2021. Collection method: clinical testing. Allele origin: germline. Affected: yes.
Comment: Not observed at significant frequency in large population cohorts (gnomAD); In silico analysis supports that this missense variant has a deleterious effect on protein structure/function; This variant is associated with the following publications: (PMID: 35020051)

Blueprint Genetics
Classification: Likely pathogenic for CDH23-related disorders. Last evaluated: 2023-10-27. Review status: criteria provided, single submitter. Criteria: ACMG Guidelines, 2015. Collection method: clinical testing. Allele origin: germline. Affected: yes. Observed: 3 variant alleles.

Labcorp Genetics (formerly Invitae), Labcorp
Classification: Uncertain significance. Last evaluated: 2022-06-08. Review status: criteria provided, single submitter. Criteria: Invitae Variant Classification Sherloc (09022015). Collection method: clinical testing. Allele origin: germline.
Comment: This sequence change replaces arginine, which is basic and polar, with cysteine, which is neutral and slightly polar, at codon 2489 of the CDH23 protein (p.Arg2489Cys). This variant is present in population databases (rs754223180, gnomAD 0.002%). This variant has not been reported in the literature in individuals affected with CDH23-related conditions. Algorithms developed to predict the effect of missense changes on protein structure and function are either unavailable or do not agree on the potential impact of this missense change (SIFT: "Deleterious"; PolyPhen-2: "Not Available"; Align-GVGD: "Class C65"). In summary, the available evidence is currently insufficient to determine the role of this variant in disease. Therefore, it has been classified as a Variant of Uncertain Significance.